The following is an entry in ClinVar:

NM_012243.3(SLC35A3):c.322_323insACTGTCTCTTA (p.Leu108fs)

Gene: SLC35A3 (solute carrier family 35 member A3; plus strand). Cytogenetic location: 1p21.2.
Variant type: Insertion.
Coding change: c.322_323insACTGTCTCTTA on transcript NM_012243.3 (MANE Select); coding-DNA positions 322 to 323, ACTGTCTCTTA inserted.
Protein change: p.Leu108fs; shifts the reading frame from leucine 108.
Molecular consequence: frameshift variant.
Genome position: GRCh38 VCF-style: chr1-99999395-C-CACTGTCTCTTA. GRCh37 (hg19) VCF-style: chr1-100464951-C-CACTGTCTCTTA.
Other names: c.322_323insACTGTCTCTTA, p.Leu108fs (NM_001271684.2, NM_001437713.1, NM_001437717.1 and 3 more transcripts); c.448_449insACTGTCTCTTA, p.Leu150fs (NM_001271685.2); short protein forms L108fs, L150fs.
Identifiers: ClinVar variation 5010962 (VCV005010962.1).
Genomic context (GRCh38, chr1:99,999,395, plus strand): 5'-GCTATTCCATCAGGGATCTATACTCTTCAGAATAATTTACTGTATGTGGCACTATCAAAT[C>CACTGTCTCTTA]TAGATGCAGCTACTTATCAGGTACTTAAAATACATTTCTTTCTTTTTTAAAAAAACTTTT-3'

ClinVar aggregate classification (germline): Pathogenic (1 of 4 stars; one submission).

Conditions:
Autism spectrum disorder - epilepsy - arthrogryposis syndrome (AMRS). Identifiers: Orphanet 370943, MedGen C3809910, MONDO:0014248, OMIM 615553.

Submission:

Myriad Genetics, Inc.
Classification: Pathogenic for Autism spectrum disorder - epilepsy - arthrogryposis syndrome. Last evaluated: 2024-05-14. Review status: criteria provided, single submitter. Criteria: Myriad Autosomal Dominant, Autosomal Recessive and X-Linked Classification Criteria (2023). Collection method: clinical testing. Allele origin: unknown.
Comment: NM_001271685.1(SLC35A3):c.448_449ins11(L150Hfs*5) is expected to be pathogenic in the context of arthrogryposis, impaired intellectual development, and seizures. This variant is predicted to lead to an abnormal or absent protein product due to the creation of a premature termination codon in SLC35A3, a gene where loss-of-function variants are known to be pathogenic. Please note: this variant was assessed in the context of healthy population screening.